The following is an entry in ClinVar:

ClinVar aggregate classification (germline): Uncertain significance (1 of 4 stars; one submission).

Submission:

GeneDx
Classification: Uncertain significance. Last evaluated: 2026-03-17. Review status: criteria provided, single submitter. Criteria: GeneDx Variant Classification Process June 2021. Collection method: clinical testing. Allele origin: germline.
Comment: Not observed at significant frequency in large population cohorts (gnomAD); In silico analysis supports that this missense variant has a deleterious effect on protein structure/function; Has not been previously published as pathogenic or benign to our knowledge

NM_012433.4(SF3B1):c.461A>T (p.Asp154Val)

Gene: SF3B1 (splicing factor 3b subunit 1; minus strand). Cytogenetic location: 2q33.1.
Variant type: single nucleotide variant.
Coding change: c.461A>T on transcript NM_012433.4 (MANE Select); coding-DNA position 461, A replaced by T.
Protein change: p.Asp154Val; replaces aspartic acid 154 with valine.
Molecular consequence: missense variant.
Genome position (GRCh38, 1-based): chr2:197,418,543, T>A on the plus strand (A>T on the coding strand, the complement: SF3B1 is on the minus strand). VCF-style: chr2-197418543-T-A. GRCh37 (hg19) VCF-style: chr2-198283267-T-A.
Other names: short protein forms D154V.
Identifiers: ClinVar variation 5009289 (VCV005009289.1).